The following is an entry in ClinVar:

ClinVar aggregate classification (germline): Conflicting classifications of pathogenicity. Review status: criteria provided, conflicting classifications (1 of 4 stars). 6 submissions from 6 submitters: Uncertain significance (2); Benign (1); Likely benign (3). Last evaluated 2024-11-01.

Conditions:
Inborn genetic diseases. Identifiers: MedGen C0950123, MeSH D030342.
Autism, susceptibility to, X-linked 2 (AUTSX2). Also called: Autism susceptibility, X-linked 2. Identifiers: MedGen C1845539, MONDO:0010341, OMIM 300495.

Allele frequency attached by ClinVar (database versions not stated): ExAC 0.00016; gnomAD 0.00016 and 0.00017; TOPMed 0.00019; 1000 Genomes Project 30x 0.00021; gnomAD exomes 0.00022 and 0.00025; 1000 Genomes Project 0.00026.
gnomAD v4.1: 292 of 1,209,295 alleles (0.024%); highest among the groups gnomAD compares: Non-Finnish European, 0.03%; no homozygotes.

Submissions (6):

Blueprint Genetics
Classification: Likely benign. Last evaluated: 2024-11-01. Review status: criteria provided, single submitter. Criteria: ACMG Guidelines, 2015. Collection method: clinical testing. Allele origin: germline.

CeGaT Center for Human Genetics Tuebingen
Classification: Likely benign. Last evaluated: 2023-07-01. Review status: criteria provided, single submitter. Criteria: CeGaT Center For Human Genetics Tuebingen Variant Classification Criteria Version 2. Collection method: clinical testing. Allele origin: germline. Affected: yes. Observed: 2 variant alleles.
Comment: NLGN4X: BS2

Labcorp Genetics (formerly Invitae), Labcorp
Classification: Benign. Last evaluated: 2019-12-31. Review status: criteria provided, single submitter. Criteria: Invitae Variant Classification Sherloc (09022015). Collection method: clinical testing. Allele origin: germline.

Revvity Omics, Revvity
Classification: Uncertain significance for Autism, susceptibility to, X-linked 2. Last evaluated: 2019-07-08. Review status: criteria provided, single submitter. Criteria: ACMG Guidelines, 2015. Collection method: clinical testing. Allele origin: germline.

Ambry Genetics
Classification: Likely benign for Inborn genetic diseases. Last evaluated: 2017-06-28. Review status: criteria provided, single submitter. Criteria: Ambry Variant Classification Scheme 2023. Collection method: clinical testing. Allele origin: germline.

Genetic Services Laboratory, University of Chicago
Classification: Uncertain significance. Last evaluated: 2014-10-20. Review status: criteria provided, single submitter. Criteria: ACMG Guidelines, 2015. Collection method: clinical testing. Allele origin: germline.

Literature cited by the submitters: PubMed 19377476 (cited by Ambry Genetics); PubMed 23431752 (cited by Ambry Genetics).

NM_181332.3(NLGN4X):c.2360C>T (p.Thr787Met)

Gene: NLGN4X (neuroligin 4 X-linked; minus strand). Cytogenetic location: Xp22.32.
Variant type: single nucleotide variant.
Coding change: c.2360C>T on transcript NM_181332.3 (MANE Select); coding-DNA position 2360, C replaced by T.
Protein change: p.Thr787Met; replaces threonine 787 with methionine.
Molecular consequence: missense variant.
Genome position (GRCh38, 1-based): chrX:5,892,908, G>A on the plus strand (C>T on the coding strand, the complement: NLGN4X is on the minus strand). VCF-style: chrX-5892908-G-A. GRCh37 (hg19) VCF-style: chrX-5810949-G-A.
Other names: c.2360C>T, p.Thr787Met (NM_001282145.2, NM_001282146.2, NM_020742.4); short protein forms T787M.
Identifiers: ClinVar variation 211681 (VCV000211681.41), dbSNP rs4995611, ClinGen allele CA207492.
Genomic context (GRCh38, chrX:5,892,908, plus strand): 5'-AAATTTGTACTGTTTTGTCCTCCACTGAAGGTGTTAAAAGTGTGCAAAGGCTGCATCCCC[G>A]TCAGTGTGTTTGGAATCATGGTGATGGTGTTTGGCGTCATAAGTGGGATGTCATCTGGCG-3'
Protein context (NP_851849.1, residues 777-797): NTITMIPNTL[Thr787Met]GMQPLHTFNT